The following is an entry in ClinVar:

ClinVar aggregate classification (germline): Benign (1 of 4 stars; one submission).

Allele frequency attached by ClinVar (database versions not stated): 1000 Genomes Project 0.00040; 1000 Genomes Project 30x 0.00062; gnomAD 0.00065; TOPMed 0.00077; gnomAD exomes 0.00081.
gnomAD v4.1: 313 of 398,574 alleles (0.079%); highest among the groups gnomAD compares: South Asian, 0.15%; 1 homozygote.

Submission:

CeGaT Center for Human Genetics Tuebingen
Classification: Benign. Last evaluated: 2025-10-01. Review status: criteria provided, single submitter. Criteria: CeGaT Center For Human Genetics Tuebingen Variant Classification Criteria Version 2. Collection method: clinical testing. Allele origin: germline. Affected: yes. Observed: 9 variant alleles.
Comment: KCNQ1OT1: BS1, BS2

NM_000218.3(KCNQ1):c.1394-14441G>A

Genes: KCNQ1 (potassium voltage-gated channel subfamily Q member 1; plus strand), KCNQ1OT1 (KCNQ1 opposite strand/antisense transcript 1; minus strand). Cytogenetic location: 11p15.5.
Variant type: single nucleotide variant.
Coding change: c.1394-14441G>A on transcript NM_000218.3 (MANE Select); 14441 bases into the intron before coding-DNA position 1394, G replaced by A.
Molecular consequence: intron variant. On other transcripts: non-coding transcript variant (1).
Genome position (GRCh38, 1-based): chr11:2,647,520, G>A. VCF-style: chr11-2647520-G-A. GRCh37 (hg19) VCF-style: chr11-2668750-G-A.
Other names: c.1124-14441G>A (NM_001406837.1); c.1298-14441G>A (NM_001406836.1); c.854-14441G>A (NM_001406838.1); c.1013-14441G>A (NM_181798.2).
Identifiers: ClinVar variation 2641425 (VCV002641425.24), dbSNP rs565342797, ClinGen allele CA216159895.